The following is an entry in ClinVar:

NM_001278116.2(L1CAM):c.3770A>G (p.Glu1257Gly)

Gene: L1CAM (L1 cell adhesion molecule; minus strand). Cytogenetic location: Xq28.
Variant type: single nucleotide variant.
Coding change: c.3770A>G on transcript NM_001278116.2 (MANE Select); coding-DNA position 3770, A replaced by G.
Protein change: p.Glu1257Gly; replaces glutamic acid 1257 with glycine.
Molecular consequence: missense variant.
Genome position (GRCh38, 1-based): chrX:153,862,667, T>C on the plus strand (A>G on the coding strand, the complement: L1CAM is on the minus strand). VCF-style: chrX-153862667-T-C. GRCh37 (hg19) VCF-style: chrX-153128122-T-C.
Other names: c.3770A>G, p.Glu1257Gly (NM_000425.5); c.3743A>G, p.Glu1248Gly (NM_001143963.2); c.3758A>G, p.Glu1253Gly (NM_024003.3); short protein forms E1257G, E1248G, E1253G.
Identifiers: ClinVar variation 458215 (VCV000458215.6), dbSNP rs1557089225, ClinGen allele CA415105636.
Genomic context (GRCh38, chrX:153,862,667, plus strand): 5'-AGGGAGGGGCCTGGATCCCAAGGCCAGGGGCACAGCATCTCCTGTCCTGGACTCCACTAT[T>C]CTAGGGCCACGGCAGGGTTGATGGGGGAAGTGGCCCCTGAGCTGTCATTGCCCCCTGCCG-3'
Protein context (NP_001265045.1, residues 1247-1257): TSPINPAVAL[Glu1257Gly]

ClinVar aggregate classification (germline): Uncertain significance (1 of 4 stars; one submission).

Conditions:
Spastic paraplegia. Identifiers: MedGen C0037772, HP:0001258.

Allele frequency attached by ClinVar (database versions not stated): gnomAD exomes below 0.00001; gnomAD 0.00001.

Submission:

Labcorp Genetics (formerly Invitae), Labcorp
Classification: Uncertain significance for Spastic paraplegia. Last evaluated: 2021-09-01. Review status: criteria provided, single submitter. Criteria: Invitae Variant Classification Sherloc (09022015). Collection method: clinical testing. Allele origin: germline.
Comment: This sequence change replaces glutamic acid with glycine at codon 1257 of the L1CAM protein (p.Glu1257Gly). The glutamic acid residue is highly conserved and there is a moderate physicochemical difference between glutamic acid and glycine. This variant is not present in population databases (ExAC no frequency). This variant has not been reported in the literature in individuals affected with L1CAM-related conditions. Algorithms developed to predict the effect of missense changes on protein structure and function are either unavailable or do not agree on the potential impact of this missense change (SIFT: "Tolerated"; PolyPhen-2: "Probably Damaging"; Align-GVGD: "Class C15"). In summary, the available evidence is currently insufficient to determine the role of this variant in disease. Therefore, it has been classified as a Variant of Uncertain Significance.